The following is an entry in ClinVar:

NM_001378418.1(TCF20):c.2777G>T (p.Gly926Val)

Gene: TCF20 (transcription factor 20; minus strand). Cytogenetic location: 22q13.2.
Variant type: single nucleotide variant.
Coding change: c.2777G>T on transcript NM_001378418.1 (MANE Select); coding-DNA position 2777, G replaced by T.
Protein change: p.Gly926Val; replaces glycine 926 with valine.
Molecular consequence: missense variant.
Genome position (GRCh38, 1-based): chr22:42,212,529, C>A on the plus strand (G>T on the coding strand, the complement: TCF20 is on the minus strand). VCF-style: chr22-42212529-C-A. GRCh37 (hg19) VCF-style: chr22-42608535-C-A.
Other names: c.2777G>T, p.Gly926Val (NM_005650.4, NM_181492.3); short protein forms G926V.
Identifiers: ClinVar variation 1699287 (VCV001699287.3), dbSNP rs2147209717, ClinGen allele CA411787921.

ClinVar aggregate classification (germline): Uncertain significance (1 of 4 stars; one submission).

Conditions:
Developmental delay with variable intellectual impairment and behavioral abnormalities. Identifiers: MedGen C5193092, MONDO:0032745, OMIM 618430.

Allele frequency attached by ClinVar (database versions not stated): gnomAD exomes below 0.00001.
gnomAD v4.1: 1 of 1,614,040 alleles (0.000062%); highest among the groups gnomAD compares: Non-Finnish European, 0.000085%; no homozygotes.

Submission:

Victorian Clinical Genetics Services, Murdoch Childrens Research Institute
Classification: Uncertain significance for Developmental delay with variable intellectual impairment and behavioral abnormalities. Last evaluated: 2022-06-24. Review status: criteria provided, single submitter. Criteria: ACMG Guidelines, 2015. Collection method: clinical testing. Allele origin: germline. Inheritance: Autosomal dominant inheritance. Affected: yes.
Comment: Based on the classification scheme VCGS_Germline_v1.3.4, this variant is classified as VUS-3B. Following criteria are met: 0102 - Loss of function is a known mechanism of disease in this gene and is associated with developmental delay with variable intellectual impairment and behavioral abnormalities (MIM#618430). (I) 0107 - This gene is associated with autosomal dominant disease. (I) 0200 - Variant is predicted to result in a missense amino acid change from glycine to valine. (I) 0251 - This variant is heterozygous. (I) 0301 - Variant is absent from gnomAD (both v2 and v3). (SP) 0309 - An alternative amino acid change at the same position has been observed in gnomAD (v2, v3) (2 heterozygotes, 0 homozygotes). (I) 0501 - Missense variant consistently predicted to be damaging by multiple in silico tools or highly conserved with a major amino acid change. (SP) 0604 - Variant is not located in an established domain, motif, hotspot or informative constraint region. (I) 0705 - No comparable missense variants have previous evidence for pathogenicity. (I) 0807 - This variant has no previous evidence of pathogenicity. (I) 0905 - No published segregation evidence has been identified for this variant. (I) 1007 - No published functional evidence has been identified for this variant. (I) 1208 - Inheritance information for this variant is not currently available in this individual. (I) Legend: (SP) - Supporting pathogenic, (I) - Information, (SB) - Supporting benign